The following is an entry in ClinVar:

ClinVar aggregate classification (germline): Likely benign. Review status: criteria provided, multiple submitters, no conflicts (2 of 4 stars). 3 submissions from 3 submitters: Likely benign (2). 1 of the submissions does not count toward it. Last evaluated 2026-02-02.

Conditions:
LRRK1-related disorder. Also called: LRRK1-related condition.

Allele frequency attached by ClinVar (database versions not stated): 1000 Genomes Project 0.00180; 1000 Genomes Project 30x 0.00187; gnomAD 0.00252 and 0.00260; ESP Exome Variant Server 0.00254; TOPMed 0.00287; ExAC 0.00314; gnomAD exomes 0.00319 and 0.00377.
gnomAD v4.1: 5,865 of 1,614,116 alleles (0.36%); highest among the groups gnomAD compares: Middle Eastern, 0.74%; 26 homozygotes.

Submissions (3):

Labcorp Genetics (formerly Invitae), Labcorp
Classification: Likely benign. Last evaluated: 2026-02-02. Review status: criteria provided, single submitter. Criteria: Invitae Variant Classification Sherloc (09022015). Collection method: clinical testing. Allele origin: germline.

CeGaT Center for Human Genetics Tuebingen
Classification: Likely benign. Last evaluated: 2023-09-01. Review status: criteria provided, single submitter. Criteria: CeGaT Center For Human Genetics Tuebingen Variant Classification Criteria Version 2. Collection method: clinical testing. Allele origin: germline. Affected: yes. Observed: 2 variant alleles.
Comment: LRRK1: BP4, BS2

PreventionGenetics, part of Exact Sciences
Classification: Likely benign for LRRK1-related condition. Last evaluated: 2023-02-28. Review status: no assertion criteria provided. Collection method: clinical testing. Allele origin: germline. Not counted in ClinVar's aggregate classification.
Comment: This variant is classified as likely benign based on ACMG/AMP sequence variant interpretation guidelines (Richards et al. 2015 PMID: 25741868, with internal and published modifications).

NM_024652.6(LRRK1):c.5440G>A (p.Ala1814Thr)

Genes: LRRK1 (leucine rich repeat kinase 1; plus strand), LRRK1-AS1 (LRRK1 antisense RNA 1; minus strand). Cytogenetic location: 15q26.3.
Variant type: single nucleotide variant.
Coding change: c.5440G>A on transcript NM_024652.6 (MANE Select); coding-DNA position 5440, G replaced by A.
Protein change: p.Ala1814Thr; replaces alanine 1814 with threonine.
Molecular consequence: missense variant.
Genome position (GRCh38, 1-based): chr15:101,065,877, G>A. VCF-style: chr15-101065877-G-A. GRCh37 (hg19) VCF-style: chr15-101606082-G-A.
Other names: c.5440G>A (NM_024652.5); short protein forms A1814T.
Identifiers: ClinVar variation 1642826 (VCV001642826.33), dbSNP rs35787282, ClinGen allele CA7762146.